The following is an entry in ClinVar:

ClinVar aggregate classification (germline): Uncertain significance. Review status: criteria provided, multiple submitters, no conflicts (2 of 4 stars). 2 submissions from 2 submitters: Uncertain significance (2). Last evaluated 2025-04-18.

Conditions:
Inborn genetic diseases. Identifiers: MedGen C0950123, MeSH D030342.

gnomAD v4.1: 12 of 1,416,924 alleles (0.00085%); highest among the groups gnomAD compares: East Asian, 0.012%; no homozygotes.

Submissions (2):

Labcorp Genetics (formerly Invitae), Labcorp
Classification: Uncertain significance. Last evaluated: 2025-04-18. Review status: criteria provided, single submitter. Criteria: Invitae Variant Classification Sherloc (09022015). Collection method: clinical testing. Allele origin: germline.
Comment: This sequence change replaces alanine, which is neutral and non-polar, with threonine, which is neutral and polar, at codon 11 of the KDM1A protein (p.Ala11Thr). The frequency data for this variant in the population databases is considered unreliable, as metrics indicate poor data quality at this position in the gnomAD database. This variant has not been reported in the literature in individuals affected with KDM1A-related conditions. ClinVar contains an entry for this variant (Variation ID: 3532919). An algorithm developed to predict the effect of missense changes on protein structure and function (PolyPhen-2) suggests that this variant is likely to be tolerated. In summary, the available evidence is currently insufficient to determine the role of this variant in disease. Therefore, it has been classified as a Variant of Uncertain Significance.

Ambry Genetics
Classification: Uncertain significance for Inborn genetic diseases. Last evaluated: 2024-11-22. Review status: criteria provided, single submitter. Criteria: Ambry Variant Classification Scheme 2023. Collection method: clinical testing. Allele origin: germline.
Comment: The p.A11T variant (also known as c.31G>A), located in coding exon 1 of the KDM1A gene, results from a G to A substitution at nucleotide position 31. The alanine at codon 11 is replaced by threonine, an amino acid with similar properties. This amino acid position is conserved. In addition, this alteration is predicted to be tolerated by in silico analysis. Based on the available evidence, the clinical significance of this variant remains unclear.

NM_001009999.3(KDM1A):c.31G>A (p.Ala11Thr)

Gene: KDM1A (lysine demethylase 1A; plus strand). Cytogenetic location: 1p36.12.
Variant type: single nucleotide variant.
Coding change: c.31G>A on transcript NM_001009999.3 (MANE Select); coding-DNA position 31, G replaced by A.
Protein change: p.Ala11Thr; replaces alanine 11 with threonine.
Molecular consequence: missense variant.
Genome position (GRCh38, 1-based): chr1:23,019,627, G>A. VCF-style: chr1-23019627-G-A. GRCh37 (hg19) VCF-style: chr1-23346120-G-A.
Other names: c.31G>A, p.Ala11Thr (NM_001363654.2, NM_001410762.1, NM_001410763.1 and 1 more transcripts); short protein forms A11T.
Identifiers: ClinVar variation 3532919 (VCV003532919.2).
Genomic context (GRCh38, chr1:23,019,627, plus strand): 5'-CTACGGCCGTCGGCGGCCCGGCGGCCCGAGATGTTATCTGGGAAGAAGGCGGCAGCCGCG[G>A]CGGCGGCGGCTGCAGCGGCAGCAACCGGGACGGAGGCTGGCCCTGGGACAGCAGGCGGCT-3'
Protein context (NP_001009999.1, residues 1-21): MLSGKKAAAA[Ala11Thr]AAAAAAATGT